The following is an entry in ClinVar:

ClinVar aggregate classification (germline): Uncertain significance (1 of 4 stars; one submission).

Conditions:
Marfan syndrome (MFS). Also called: MARFAN SYNDROME, TYPE I; Marfan syndrome type 1; Marfan's syndrome; Marfan syndrome, classic; FBN1-Related Marfan Syndrome. Identifiers: Orphanet 284963, Orphanet 558, MedGen C0024796, MONDO:0007947, OMIM 154700.

Allele frequency attached by ClinVar (database versions not stated): ExAC 0.00001; gnomAD exomes 0.00001.
gnomAD v4.1: 12 of 1,614,176 alleles (0.00074%); highest among the groups gnomAD compares: Non-Finnish European, 0.001%; no homozygotes.

Submission:

All of Us Research Program, National Institutes of Health
Classification: Uncertain significance for Marfan syndrome. Last evaluated: 2023-08-23. Review status: criteria provided, single submitter. Criteria: ACMG Guidelines, 2015. Collection method: clinical testing. Allele origin: germline. Inheritance: Autosomal dominant inheritance. Observed: 1 variant allele, 1 heterozygote.
Comment: This missense variant replaces valine with methionine at codon 2384 of the FBN1 protein. Computational prediction suggests that this variant may not impact protein structure and function (internally defined REVEL score threshold <= 0.5, PMID: 27666373). To our knowledge, functional studies have not been reported for this variant. This variant has not been reported in individuals affected with FBN1-related disorders in the literature. This variant has been identified in 3/250990 chromosomes in the general population by the Genome Aggregation Database (gnomAD). The available evidence is insufficient to determine the role of this variant in disease conclusively. Therefore, this variant is classified as a Variant of Uncertain Significance.

This study involves interpretation of variants in research participants for the purpose of population health screening. Participant phenotype was not available at the time of variant classification. Additional details can be found in publication PMID: 35346344, PMCID: PMC8962531

NM_000138.5(FBN1):c.7150G>A (p.Val2384Met)

Gene: FBN1 (fibrillin 1; minus strand). Cytogenetic location: 15q21.1.
Variant type: single nucleotide variant.
Coding change: c.7150G>A on transcript NM_000138.5 (MANE Select); coding-DNA position 7150, G replaced by A.
Protein change: p.Val2384Met; replaces valine 2384 with methionine.
Molecular consequence: missense variant.
Genome position (GRCh38, 1-based): chr15:48,427,621, C>T on the plus strand (G>A on the coding strand, the complement: FBN1 is on the minus strand). VCF-style: chr15-48427621-C-T. GRCh37 (hg19) VCF-style: chr15-48719818-C-T.
Other names: c.7150G>A, p.Val2384Met (NM_001406716.1); short protein forms V2384M.
Identifiers: ClinVar variation 3073065 (VCV003073065.1), dbSNP rs761205556, ClinGen allele CA057961.